The following is an entry in ClinVar:

ClinVar aggregate classification (germline): Uncertain significance (1 of 4 stars; one submission).

Conditions:
Inborn genetic diseases. Identifiers: MedGen C0950123, MeSH D030342.

Submission:

Ambry Genetics
Classification: Uncertain significance for Inborn genetic diseases. Last evaluated: 2025-11-15. Review status: criteria provided, single submitter. Criteria: Ambry Variant Classification Scheme 2023. Collection method: clinical testing. Allele origin: germline.
Comment: The p.N103Y variant (also known as c.307A>T), located in coding exon 1 of the SAMD9L gene, results from an A to T substitution at nucleotide position 307. The asparagine at codon 103 is replaced by tyrosine, an amino acid with dissimilar properties. This amino acid position is conserved. In addition, this alteration is predicted to be tolerated by in silico analysis. Based on the available evidence, the clinical significance of this variant remains unclear.

NM_152703.5(SAMD9L):c.307A>T (p.Asn103Tyr)

Gene: SAMD9L (sterile alpha motif domain containing 9 like; minus strand). Cytogenetic location: 7q21.2.
Variant type: single nucleotide variant.
Coding change: c.307A>T on transcript NM_152703.5 (MANE Select); coding-DNA position 307, A replaced by T.
Protein change: p.Asn103Tyr; replaces asparagine 103 with tyrosine.
Molecular consequence: missense variant.
Genome position (GRCh38, 1-based): chr7:93,135,665, T>A on the plus strand (A>T on the coding strand, the complement: SAMD9L is on the minus strand). VCF-style: chr7-93135665-T-A. GRCh37 (hg19) VCF-style: chr7-92764978-T-A.
Other names: c.307A>T, p.Asn103Tyr (NM_001303496.3, NM_001303497.3, NM_001303498.3 and 5 more transcripts); short protein forms N103Y.
Identifiers: ClinVar variation 4630119 (VCV004630119.1).